The following is an entry in ClinVar:

NM_000069.3(CACNA1S):c.3823G>A (p.Val1275Ile)

Gene: CACNA1S (calcium voltage-gated channel subunit alpha1 S; minus strand). Cytogenetic location: 1q32.1.
Variant type: single nucleotide variant.
Coding change: c.3823G>A on transcript NM_000069.3 (MANE Select); coding-DNA position 3823, G replaced by A.
Protein change: p.Val1275Ile; replaces valine 1275 with isoleucine.
Molecular consequence: missense variant.
Genome position (GRCh38, 1-based): chr1:201,053,247, C>T on the plus strand (G>A on the coding strand, the complement: CACNA1S is on the minus strand). VCF-style: chr1-201053247-C-T. GRCh37 (hg19) VCF-style: chr1-201022375-C-T.
Other names: c.3823G>A (NM_000069.2); short protein forms V1275I.
Identifiers: ClinVar variation 1026112 (VCV001026112.9), dbSNP rs760441649, ClinGen allele CA082868.

ClinVar aggregate classification (germline): Conflicting classifications of pathogenicity. Review status: criteria provided, conflicting classifications (1 of 4 stars). 3 submissions from 3 submitters: Uncertain significance (2); Likely benign (1). Last evaluated 2026-07-02.

Conditions:
Inborn genetic diseases. Identifiers: MedGen C0950123, MeSH D030342.
Malignant hyperthermia, susceptibility to, 5 (MHS5). Also called: CACNA1S-Related Malignant Hyperthermia Susceptibility. Identifiers: Orphanet 423, MedGen C1866077, MONDO:0011163, OMIM 601887.
Hypokalemic periodic paralysis, type 1. Also called: Hypokalemic Periodic Paralysis Type 1 (AD); HypoPP. Identifiers: Orphanet 681, MedGen C3714580, MONDO:0042979, OMIM 170400.

Allele frequency attached by ClinVar (database versions not stated): gnomAD 0.00001; ExAC 0.00002; gnomAD exomes 0.00003; TOPMed 0.00002.
gnomAD v4.1: 27 of 1,614,100 alleles (0.0017%); highest among the groups gnomAD compares: Admixed American, 0.0067%; no homozygotes.

Submissions (3):

Ambry Genetics
Classification: Uncertain significance for Inborn genetic diseases. Last evaluated: 2026-07-02. Review status: criteria provided, single submitter. Criteria: Ambry Variant Classification Scheme 2023. Collection method: clinical testing. Allele origin: germline.
Comment: The p.V1275I variant (also known as c.3823G>A), located in coding exon 31 of the CACNA1S gene, results from a G to A substitution at nucleotide position 3823. The valine at codon 1275 is replaced by isoleucine, an amino acid with highly similar properties. This amino acid position is conserved. In addition, the in silico prediction for this alteration is inconclusive. Based on the available evidence, the clinical significance of this variant remains unclear.

Labcorp Genetics (formerly Invitae), Labcorp
Classification: Likely benign for Hypokalemic periodic paralysis, type 1; Malignant hyperthermia, susceptibility to, 5. Last evaluated: 2025-10-25. Review status: criteria provided, single submitter. Criteria: Invitae Variant Classification Sherloc (09022015). Collection method: clinical testing. Allele origin: germline.

Color Diagnostics, LLC DBA Color Health
Classification: Uncertain significance for Malignant hyperthermia, susceptibility to, 5. Last evaluated: 2024-03-07. Review status: criteria provided, single submitter. Criteria: ACMG Guidelines, 2015. Collection method: clinical testing. Allele origin: germline.
Comment: This missense variant replaces valine with isoleucine at codon 1275 of the CACNA1S protein. Computational prediction suggests that this variant may not impact protein structure and function (internally defined REVEL score threshold <= 0.5, PMID: 27666373). To our knowledge, functional studies have not been reported for this variant. This variant has not been reported in individuals affected with CACNA1S-related disorders in the literature. This variant has been identified in 8/282804 chromosomes in the general population by the Genome Aggregation Database (gnomAD). The available evidence is insufficient to determine the role of this variant in disease conclusively. Therefore, this variant is classified as a Variant of Uncertain Significance.